The following is an entry in ClinVar:

ClinVar aggregate classification (germline): Pathogenic (1 of 4 stars; one submission).

Conditions:
Classic homocystinuria. Also called: HOMOCYSTINURIA WITH OR WITHOUT RESPONSE TO PYRIDOXINE; Homocystinuria due to CBS deficiency; Cystathionine beta-synthase deficiency; CBS deficiency; Homocystinuria due to Cystathionine Beta-Synthase Deficiency. Identifiers: Orphanet 394, MedGen C0751202, MONDO:0009352, OMIM 236200.

Submission:

Myriad Genetics, Inc.
Classification: Pathogenic for Classic homocystinuria. Last evaluated: 2023-09-07. Review status: criteria provided, single submitter. Criteria: Myriad Autosomal Dominant, Autosomal Recessive and X-Linked Classification Criteria (2023). Collection method: clinical testing. Allele origin: unknown.
Comment: NM_000071.2(CBS):c.50delA(H17Pfs*65) is expected to be pathogenic in the context of homocystinuria, CBS-related. This variant is predicted to lead to an abnormal or absent protein product due to the creation of a premature termination codon in CBS, a gene where loss-of-function variants are known to be pathogenic. Please note: this variant was assessed in the context of healthy population screening.

NM_000071.3(CBS):c.50del (p.His17fs)

Gene: CBS (cystathionine beta-synthase; minus strand). Cytogenetic location: 21q22.3.
Variant type: Deletion.
Coding change: c.50del on transcript NM_000071.3 (MANE Select); coding-DNA position 50, one base deleted (A; older notation c.50delA).
Protein change: p.His17fs; shifts the reading frame from histidine 17.
Molecular consequence: frameshift variant.
Genome position (GRCh38, 1-based): chr21:43,072,144, T deleted on the plus strand (A on the coding strand, the reverse complement: CBS is on the minus strand). VCF-style (leftmost placement, unchanged base first): chr21-43072143-GT-G. GRCh37 (hg19) VCF-style: chr21-44492253-GT-G.
Other names: c.50del, p.His17fs (NM_001178008.3, NM_001178009.3, NM_001320298.2); short protein forms H17fs.
Identifiers: ClinVar variation 5011596 (VCV005011596.1).